The following is an entry in ClinVar:

ClinVar aggregate classification (germline): Likely pathogenic. Review status: criteria provided, single submitter (1 of 4 stars). 2 submissions from 2 submitters: Likely pathogenic (1). 1 of the submissions does not count toward it. Last evaluated 2017-12-22.

Conditions:
Congenital diarrhea 7 with exudative enteropathy. Also called: Diarrhea 7. Identifiers: Orphanet 329242, MedGen C4014516, MONDO:0014375, OMIM 615863.

Allele frequency attached by ClinVar (database versions not stated): gnomAD 0.00001 and 0.00002; gnomAD exomes 0.00001 and 0.00003; ExAC 0.00002; TOPMed 0.00002; ESP Exome Variant Server 0.00015.
gnomAD v4.1: 40 of 1,609,248 alleles (0.0025%); highest among the groups gnomAD compares: Non-Finnish European, 0.0032%; no homozygotes.

Submissions (2):

GeneDx
Classification: Likely pathogenic. Last evaluated: 2017-12-22. Review status: criteria provided, single submitter. Criteria: GeneDx Variant Classification (06012015). Collection method: clinical testing. Allele origin: germline. Affected: yes.
Comment: The c.1311+1G>A variant in the DGAT1 gene has not been reported previously as a pathogenic variant nor as a benign variant, to our knowledge. This splice site variant destroys the canonical splice donor site in intron 16. It is predicted to cause abnormal gene splicing, either leading to an abnormal message that is subject to nonsense-mediated mRNA decay, or to an abnormal protein product if the message is used for protein translation. The c.1311+1G>A variant is not observed at a significant frequency in large population cohorts (Lek et al., 2016). We interpret c.1311+1G>A as a likely pathogenic variant.

OMIM
Classification: Pathogenic for DIARRHEA 7, PROTEIN-LOSING ENTEROPATHY TYPE. Last evaluated: 2022-11-30. Review status: no assertion criteria provided. Collection method: literature only. Allele origin: germline. Not counted in ClinVar's aggregate classification.

Literature cited by the submitters: PubMed 31778854 (cited by OMIM).

NM_012079.6(DGAT1):c.1311+1G>A

Gene: DGAT1 (diacylglycerol O-acyltransferase 1; minus strand). Cytogenetic location: 8q24.3.
Variant type: single nucleotide variant.
Coding change: c.1311+1G>A on transcript NM_012079.6 (MANE Select); the canonical splice donor site of the intron after coding-DNA position 1311, G replaced by A.
Molecular consequence: splice donor variant.
Genome position (GRCh38, 1-based): chr8:144,316,852, C>T on the plus strand (G>A on the coding strand, the complement: DGAT1 is on the minus strand). VCF-style: chr8-144316852-C-T. GRCh37 (hg19) VCF-style: chr8-145540515-C-T.
Other names: IVS16DS, G-A, +1 (rs371489225).
Identifiers: ClinVar variation 489286 (VCV000489286.3), dbSNP rs371489225, ClinGen allele CA4936576.